The following is an entry in ClinVar:

ClinVar aggregate classification (germline): Pathogenic; drug response. Review status: reviewed by expert panel (3 of 4 stars). 12 submissions from 12 submitters: Pathogenic (1). 10 of the submissions do not count toward it. Last evaluated 2021-03-24.

Conditions:
CFTR-related disorder (CFTR-RD). Also called: CFTR-related disorders; CFTR-related condition. Identifiers: MedGen C5924204, MONDO:7770004.
Hereditary pancreatitis (PCTT). Also called: Hereditary chronic pancreatitis; PRSS1-Related Hereditary Pancreatitis. Identifiers: Orphanet 676, MedGen C0238339, MONDO:0008185, OMIM 167800.
Bronchiectasis with or without elevated sweat chloride 1 (BESC1). Also called: Cystic Fibrosis-Like Syndrome. Identifiers: Orphanet 60033, MedGen C2749757, MONDO:0008887, OMIM 211400.
Congenital bilateral aplasia of vas deferens from CFTR mutation (CBAVD). Identifiers: Orphanet 48, MedGen C0403814, MONDO:0010178, OMIM 277180. Disease mechanism: loss of function.
Cystic fibrosis (CF). Also called: MUCOVISCIDOSIS. Identifiers: Orphanet 586, MedGen C0010674, MONDO:0009061, OMIM 219700. Disease mechanism: loss of function.
ivacaftor response - Efficacy. Identifiers: MedGen CN322735.

Allele frequency attached by ClinVar (database versions not stated): gnomAD exomes below 0.00001.
gnomAD v4.1: 2 of 1,613,992 alleles (0.00012%); highest among the groups gnomAD compares: Non-Finnish European, 0.00017%; no homozygotes.

Submissions (12):

ClinPGx
Classification: drug response for ivacaftor response - Efficacy. Last evaluated: 2021-03-24. Review status: reviewed by expert panel. Criteria: Pharmacogenomics knowledge for personalized medicine. Collection method: curation. Allele origin: germline. Affected: yes.
Comment: PharmGKB Level of Evidence 1A: Level 1A clinical annotations describe variant-drug combinations that have variant-specific prescribing guidance available in a current clinical guideline annotation or an FDA-approved drug label annotation. Annotations of drug labels or clinical guidelines must give prescribing guidance for specific variants (e.g. CYP2C9*3, HLA-B*57:01) or provide mapping from defined allele functions to diplotypes and phenotypes to be used as supporting evidence for a level 1A clinical annotation. Level 1A clinical annotations must also be supported by at least one publication in addition to a clinical guideline or drug label with variant-specific prescribing guidance.

Drug is not necessarily used to treat response condition

CFTR2
Classification: Pathogenic for Cystic fibrosis. Last evaluated: 2017-03-17. Review status: reviewed by expert panel. Criteria: Sosnay PR et al. (Nat Genet 2013). Collection method: research. Allele origin: germline. Affected: yes. Study: CFTR2.

Ambry Genetics
Classification: Pathogenic for Cystic fibrosis. Last evaluated: 2026-03-05. Review status: criteria provided, single submitter. Criteria: Ambry Variant Classification Scheme 2023. Collection method: clinical testing. Allele origin: germline. Not counted in ClinVar's aggregate classification.
Comment: The p.G1349D pathogenic mutation (also known as c.4046G>A), located in coding exon 25 of the CFTR gene, results from a G to A substitution at nucleotide position 4046. The glycine at codon 1349 is replaced by aspartic acid, an amino acid with similar properties. This variant has been reported in multiple individuals with an elevated sweat chloride level in The Clinical and Functional TRanslation of CFTR (CFTR2) database (available at CFTR2. Accessed 03/04/2026). This variant has <10% of wild type function in The Clinical and Functional TRanslation of CFTR (CFTR2) database (available at CFTR2. Accessed 03/04/2026). This amino acid position is highly conserved in available vertebrate species. In addition, this alteration is predicted to be deleterious by in silico analysis. This variant is considered to be rare based on population cohorts in the Genome Aggregation Database (gnomAD). Based on the supporting evidence, this variant is interpreted as a disease-causing mutation.

Natera, Inc.
Classification: Pathogenic for CFTR-related disorders. Last evaluated: 2025-08-05. Review status: criteria provided, single submitter. Criteria: Natera Variant Classification Schema (03/2026). Collection method: clinical testing. Allele origin: germline. Not counted in ClinVar's aggregate classification.
Comment: The c.4046G>A variant in CFTR is a missense variant predicted to cause substitution of glycine to aspartic acid at amino acid 1349. This variant is rare in the general population with a frequency below the threshold expected for the associated phenotype(s). This variant has been observed in one or more individuals affected with the associated recessive disease, as either homozygous or compound heterozygous with a second variant (PMID: 31523618). Computational prediction algorithms indicate this variant is likely to affect gene or protein function. Given the available evidence, this variant is classified as Pathogenic.

Labcorp Genetics (formerly Invitae), Labcorp
Classification: Pathogenic for Cystic fibrosis. Last evaluated: 2023-08-30. Review status: criteria provided, single submitter. Criteria: Invitae Variant Classification Sherloc (09022015). Collection method: clinical testing. Allele origin: germline. Not counted in ClinVar's aggregate classification.
Comment: This sequence change replaces glycine, which is neutral and non-polar, with aspartic acid, which is acidic and polar, at codon 1349 of the CFTR protein (p.Gly1349Asp). This variant is not present in population databases (gnomAD no frequency). This missense change has been observed in individual(s) with cystic fibrosis (PMID: 7544319, 10200050, 23974870, 26911355; Invitae). ClinVar contains an entry for this variant (Variation ID: 35881). Advanced modeling of protein sequence and biophysical properties (such as structural, functional, and spatial information, amino acid conservation, physicochemical variation, residue mobility, and thermodynamic stability) performed at Invitae indicates that this missense variant is expected to disrupt CFTR protein function. Experimental studies have shown that this missense change affects CFTR function (PMID: 17353351, 23620589, 25489051). For these reasons, this variant has been classified as Pathogenic.

Institute of Human Genetics, University of Leipzig Medical Center
Classification: Pathogenic for Cystic fibrosis. Last evaluated: 2023-07-26. Review status: criteria provided, single submitter. Criteria: ACMG Guidelines, 2015. Collection method: curation. Allele origin: unknown. Affected: yes. Observed: 1 variant allele. Not counted in ClinVar's aggregate classification.
Comment: This variant was classified based on the report of 1 patient with a clinically confirmed diagnosis of cystic fibrosis in the context of re-classifying variants in the German Cystic Fibrosis Registry (Muko e.V.). Patients have not been seen personally, but only reports were evaluated. Criteria applied:PS3, PM3_STR, PM5, PP3, PM2_SUP

Baylor Genetics
Classification: Pathogenic for Bronchiectasis with or without elevated sweat chloride 1. Last evaluated: 2023-04-18. Review status: criteria provided, single submitter. Criteria: ACMG Guidelines, 2015. Collection method: clinical testing. Allele origin: unknown. Not counted in ClinVar's aggregate classification.

Mendelics
Classification: Pathogenic for Hereditary pancreatitis. Last evaluated: 2022-05-04. Review status: criteria provided, single submitter. Criteria: Mendelics Assertion Criteria 2019. Collection method: clinical testing. Allele origin: germline. Not counted in ClinVar's aggregate classification.

Fulgent Genetics
Classification: Pathogenic for Hereditary pancreatitis; Bronchiectasis with or without elevated sweat chloride 1; Cystic fibrosis; Congenital bilateral aplasia of vas deferens from CFTR mutation. Last evaluated: 2021-10-22. Review status: criteria provided, single submitter. Criteria: ACMG Guidelines, 2015. Collection method: clinical testing. Allele origin: unknown. Not counted in ClinVar's aggregate classification.

Women's Health and Genetics/Laboratory Corporation of America, LabCorp
Classification: Pathogenic for Cystic fibrosis. Last evaluated: 2019-09-17. Review status: criteria provided, single submitter. Criteria: LabCorp Variant Classification Summary - May 2015. Collection method: clinical testing. Allele origin: germline. Not counted in ClinVar's aggregate classification.
Comment: Variant summary: CFTR c.4046G>A (p.Gly1349Asp) results in a non-conservative amino acid change located in the AAA+ ATPase (IPR003593) and ABC transporter-like (IPR003439) domains of the encoded protein sequence. Five of five in-silico tools predict a damaging effect of the variant on protein function. The variant was absent in 251176 control chromosomes (gnomAD). c.4046G>A has been reported in the literature in multiple individuals affected with Cystic Fibrosis (e.g. Brancolini_1995, Castaldo_2005, Petrova_2019). These data indicate that the variant is very likely to be associated with disease. Experimental evidence demonstrated a significant impact of the variant on protein function including, substantial destabilization of the active state of CFTR and aberrant CFTR-dependent HCO-3 transport (Wilkinson_1996, Choi_2001). Two ClinVar submitters, including the reputable CFTR2 database, (evaluation after 2014) cite the variant as pathogenic/likely pathogenic. Based on the evidence outlined above, the variant was classified as pathogenic.

CFTR-France
Classification: Pathogenic for cystic fibrosis. Last evaluated: 2018-01-29. Review status: criteria provided, single submitter. Criteria: Claustres M et al. (Hum Mutat 2017). Collection method: curation. Allele origin: germline. Affected: yes. Not counted in ClinVar's aggregate classification.

Counsyl
Classification: Likely pathogenic for Cystic fibrosis. Last evaluated: 2016-09-08. Review status: no assertion criteria provided. Collection method: clinical testing. Allele origin: unknown. Not counted in ClinVar's aggregate classification.

Literature cited by the submitters: PubMed 22293084 (cited by ClinPGx); PubMed 25266159 (cited by ClinPGx); PubMed 31523618 (cited by Natera, Inc.); PubMed 7544319 (cited by 3 submitters); PubMed 10200050 (cited by Labcorp Genetics (formerly Invitae), Labcorp); PubMed 23974870 (cited by Labcorp Genetics (formerly Invitae), Labcorp); PubMed 26911355 (cited by Labcorp Genetics (formerly Invitae), Labcorp); PubMed 17353351 (cited by Labcorp Genetics (formerly Invitae), Labcorp); PubMed 23620589 (cited by Labcorp Genetics (formerly Invitae), Labcorp); PubMed 25489051 (cited by Labcorp Genetics (formerly Invitae), Labcorp); PubMed 11242048 (cited by Women's Health and Genetics/Laboratory Corporation of America, LabCorp); PubMed 15638824 (cited by Women's Health and Genetics/Laboratory Corporation of America, LabCorp and Counsyl); PubMed 1712898 (cited by Women's Health and Genetics/Laboratory Corporation of America, LabCorp); PubMed 7518829 (cited by Women's Health and Genetics/Laboratory Corporation of America, LabCorp); PubMed 8741733 (cited by Women's Health and Genetics/Laboratory Corporation of America, LabCorp); PubMed 31245908 (cited by Women's Health and Genetics/Laboratory Corporation of America, LabCorp); PubMed 10762539 (cited by Counsyl); PubMed 21931512 (cited by Counsyl).

NM_000492.4(CFTR):c.4046G>A (p.Gly1349Asp)

Gene: CFTR (CF transmembrane conductance regulator; plus strand). Cytogenetic location: 7q31.2.
Variant type: single nucleotide variant.
Coding change: c.4046G>A on transcript NM_000492.4 (MANE Select); coding-DNA position 4046, G replaced by A.
Protein change: p.Gly1349Asp; replaces glycine 1349 with aspartic acid.
Molecular consequence: missense variant.
Genome position (GRCh38, 1-based): chr7:117,664,770, G>A. VCF-style: chr7-117664770-G-A. GRCh37 (hg19) VCF-style: chr7-117304824-G-A.
Other names: short protein forms G1349D.
Identifiers: ClinVar variation 35881 (VCV000035881.23), dbSNP rs193922525, ClinGen allele CA325711.